The following is an entry in ClinVar:

NM_000238.4(KCNH2):c.1884_1894delinsTGAAG (p.Asn629_Pro632delinsGluAla)

Gene: KCNH2 (potassium voltage-gated channel subfamily H member 2; minus strand). Cytogenetic location: 7q36.1.
Variant type: Indel.
Coding change: c.1884_1894delinsTGAAG on transcript NM_000238.4 (MANE Select); coding-DNA positions 1884 to 1894, CAACGTCTCTC replaced by TGAAG.
Protein change: p.Asn629_Pro632delinsGluAla.
Molecular consequence: inframe indel.
Genome position (GRCh38, 1-based): chr7:150,951,499-150,951,509, GAGAGACGTTG replaced by CTTCA on the plus strand (CAACGTCTCTC replaced by TGAAG on the coding strand, the reverse complement: KCNH2 is on the minus strand). VCF-style: chr7-150951499-GAGAGACGTTG-CTTCA. GRCh37 (hg19) VCF-style: chr7-150648587-GAGAGACGTTG-CTTCA.
Other names: c.864_874delinsTGAAG, p.Asn289_Pro292delinsGluAla (NM_001204798.2, NM_172057.3); c.1596_1606delCAACGTCTCTCinsTGAAG, p.Asn533_Pro536delinsGluAla (NM_001406753.1, NM_001406756.1); c.1707_1717delCAACGTCTCTCinsTGAAG, p.Asn570_Pro573delinsGluAla (NM_001406755.1); c.1584_1594delCAACGTCTCTCinsTGAAG, p.Asn529_Pro532delinsGluAla (NM_001406757.1); c.1884_1894delCAACGTCTCTCinsTGAAG, p.Asn629_Pro632delinsGluAla (NM_172056.3).
Identifiers: ClinVar variation 570494 (VCV000570494.7), dbSNP rs1563156461, ClinGen allele CA891842886.

ClinVar aggregate classification (germline): Pathogenic (1 of 4 stars; one submission).

Conditions:
Long QT syndrome (LQTS). Identifiers: MedGen C0023976, MeSH D008133, MONDO:0002442. Disease mechanism: loss of function. Inheritance: Various modes of inheritance.

Submission:

Labcorp Genetics (formerly Invitae), Labcorp
Classification: Pathogenic for Long QT syndrome. Last evaluated: 2023-07-14. Review status: criteria provided, single submitter. Criteria: Invitae Variant Classification Sherloc (09022015). Collection method: clinical testing. Allele origin: germline.
Comment: This variant, c.1884_1894delinsTGAAG, is a complex sequence change that results in the deletion of 3 and insertion of 1 amino acid(s) in the KCNH2 protein (p.Asn629_Pro632delinsGluAla). For these reasons, this variant has been classified as Pathogenic. This variant disrupts a region of the KCNH2 protein in which other variant(s) (p.Val630) have been determined to be pathogenic (PMID: 9693036, 16432067). This suggests that this is a clinically significant region of the protein, and that variants that disrupt it are likely to be disease-causing. Experimental studies and prediction algorithms are not available or were not evaluated, and the functional significance of this variant is currently unknown. This variant has not been reported in the literature in individuals affected with KCNH2-related conditions. This variant is not present in population databases (gnomAD no frequency).

Literature cited by the submitters: PubMed 9693036; PubMed 16432067.